The following is an entry in ClinVar:

NM_033004.4(NLRP1):c.211C>T (p.Leu71Phe)

Gene: NLRP1 (NLR family pyrin domain containing 1; minus strand). Cytogenetic location: 17p13.2.
Variant type: single nucleotide variant.
Coding change: c.211C>T on transcript NM_033004.4 (MANE Select); coding-DNA position 211, C replaced by T.
Protein change: p.Leu71Phe; replaces leucine 71 with phenylalanine.
Molecular consequence: missense variant.
Genome position (GRCh38, 1-based): chr17:5,583,747, G>A on the plus strand (C>T on the coding strand, the complement: NLRP1 is on the minus strand). VCF-style: chr17-5583747-G-A. GRCh37 (hg19) VCF-style: chr17-5487067-G-A.
Other names: c.211C>T, p.Leu71Phe (NM_001033053.3, NM_014922.5, NM_033006.4 and 1 more transcripts); short protein forms L71F.
Identifiers: ClinVar variation 1496842 (VCV001496842.8), dbSNP rs2151832832, ClinGen allele CA397390849.

ClinVar aggregate classification (germline): Uncertain significance (1 of 4 stars; one submission).

Submission:

Labcorp Genetics (formerly Invitae), Labcorp
Classification: Uncertain significance. Last evaluated: 2021-03-25. Review status: criteria provided, single submitter. Criteria: Invitae Variant Classification Sherloc (09022015). Collection method: clinical testing. Allele origin: germline.
Comment: This sequence change replaces leucine with phenylalanine at codon 71 of the NLRP1 protein (p.Leu71Phe). The leucine residue is weakly conserved and there is a small physicochemical difference between leucine and phenylalanine. This variant is not present in population databases (ExAC no frequency). This variant has not been reported in the literature in individuals with NLRP1-related conditions. Algorithms developed to predict the effect of missense changes on protein structure and function output the following: SIFT: "Tolerated"; PolyPhen-2: "Benign"; Align-GVGD: "Class C0". The phenylalanine amino acid residue is found in multiple mammalian species, suggesting that this missense change does not adversely affect protein function. These predictions have not been confirmed by published functional studies and their clinical significance is uncertain. In summary, the available evidence is currently insufficient to determine the role of this variant in disease. Therefore, it has been classified as a Variant of Uncertain Significance.